The following is an entry in ClinVar:

NM_000368.5(TSC1):c.2681dup (p.His894fs)

Gene: TSC1 (TSC complex subunit 1; minus strand). Cytogenetic location: 9q34.13.
Variant type: Duplication.
Coding change: c.2681dup on transcript NM_000368.5 (MANE Select); coding-DNA position 2681, one base duplicated (A; older notation c.2681dupA).
Protein change: p.His894fs; shifts the reading frame from histidine 894.
Molecular consequence: frameshift variant. On other transcripts: non-coding transcript variant (5).
Genome position (GRCh38, 1-based): chr9:132,897,555, T duplicated on the plus strand (A on the coding strand, the reverse complement: TSC1 is on the minus strand). VCF-style (leftmost placement, unchanged base first): chr9-132897554-A-AT. GRCh37 (hg19) VCF-style: chr9-135772941-A-AT.
Other names: c.2678dup, p.His893fs (NM_001162426.2, NM_001406597.1, NM_001406598.1 and 2 more transcripts); c.2528dup, p.His843fs (NM_001162427.2, NM_001406610.1); c.2318dup, p.His773fs (NM_001362177.2, NM_001406618.1, NM_001406619.1 and 4 more transcripts); c.2681dup, p.His894fs (NM_001406592.1, NM_001406593.1, NM_001406594.1 and 2 more transcripts); c.2315dup, p.His772fs (NM_001406620.1, NM_001406621.1, NM_001406622.1 and 1 more transcripts); c.2276dup, p.His759fs (NM_001406624.1); c.2273dup, p.His758fs (NM_001406625.1); c.1730dup, p.His577fs (NM_001406626.1); and 8 more; short protein forms H759fs, H879fs, H889fs, H577fs, H758fs, H843fs, H880fs, H888fs.
Identifiers: ClinVar variation 2697134 (VCV002697134.3), dbSNP rs2538495135, ClinGen allele CA2697558109.

ClinVar aggregate classification (germline): Pathogenic (1 of 4 stars; one submission).

Conditions:
Tuberous sclerosis 1 (TSC1). Identifiers: Orphanet 805, MedGen C1854465, MONDO:0008612, OMIM 191100.

Submission:

Labcorp Genetics (formerly Invitae), Labcorp
Classification: Pathogenic for Tuberous sclerosis 1. Last evaluated: 2023-11-18. Review status: criteria provided, single submitter. Criteria: Invitae Variant Classification Sherloc (09022015). Collection method: clinical testing. Allele origin: germline.
Comment: This sequence change creates a premature translational stop signal (p.His894Glnfs*10) in the TSC1 gene. It is expected to result in an absent or disrupted protein product. Loss-of-function variants in TSC1 are known to be pathogenic (PMID: 10227394, 17304050). This variant is not present in population databases (gnomAD no frequency). This variant has not been reported in the literature in individuals affected with TSC1-related conditions. For these reasons, this variant has been classified as Pathogenic.

Literature cited by the submitters: PubMed 10227394; PubMed 17304050.